The following is an entry in ClinVar:

ClinVar aggregate classification (germline): Uncertain significance (1 of 4 stars; one submission).

Conditions:
Cone-rod dystrophy 6 (CORD6). Also called: Cone dystrophy progressive; RETINAL CONE DYSTROPHY 2. Identifiers: Orphanet 1872, MedGen C1866293, MONDO:0011143, OMIM 601777.
Leber congenital amaurosis 1 (LCA1). Also called: Congenital absence of the rods and cones; Leber's congenital tapetoretinal degeneration; Leber's congenital tapetoretinal dysplasia; RETINAL BLINDNESS, CONGENITAL; AMAUROSIS CONGENITA OF LEBER I. Identifiers: Orphanet 65, MedGen C2931258, MONDO:0008764, OMIM 204000.

Submission:

Labcorp Genetics (formerly Invitae), Labcorp
Classification: Uncertain significance for Leber congenital amaurosis 1; Cone-rod dystrophy 6. Last evaluated: 2024-02-24. Review status: criteria provided, single submitter. Criteria: Invitae Variant Classification Sherloc (09022015). Collection method: clinical testing. Allele origin: germline.
Comment: This sequence change replaces arginine, which is basic and polar, with tryptophan, which is neutral and slightly polar, at codon 433 of the GUCY2D protein (p.Arg433Trp). The frequency data for this variant in the population databases is considered unreliable, as metrics indicate poor data quality at this position in the gnomAD database. This variant has not been reported in the literature in individuals affected with GUCY2D-related conditions. ClinVar contains an entry for this variant (Variation ID: 1356081). Advanced modeling of protein sequence and biophysical properties (such as structural, functional, and spatial information, amino acid conservation, physicochemical variation, residue mobility, and thermodynamic stability) performed at Invitae indicates that this missense variant is not expected to disrupt GUCY2D protein function with a negative predictive value of 80%. In summary, the available evidence is currently insufficient to determine the role of this variant in disease. Therefore, it has been classified as a Variant of Uncertain Significance.

NM_000180.4(GUCY2D):c.1297C>T (p.Arg433Trp)

Gene: GUCY2D (guanylate cyclase 2D, retinal; plus strand). Cytogenetic location: 17p13.1.
Variant type: single nucleotide variant.
Coding change: c.1297C>T on transcript NM_000180.4 (MANE Select); coding-DNA position 1297, C replaced by T.
Protein change: p.Arg433Trp; replaces arginine 433 with tryptophan.
Molecular consequence: missense variant.
Genome position (GRCh38, 1-based): chr17:8,006,633, C>T. VCF-style: chr17-8006633-C-T. GRCh37 (hg19) VCF-style: chr17-7909951-C-T.
Other names: short protein forms R433W.
Identifiers: ClinVar variation 1356081 (VCV001356081.6), dbSNP rs769749617, ClinGen allele CA287524891.